The following is an entry in ClinVar:

ClinVar aggregate classification (germline): Uncertain significance (1 of 4 stars; one submission).

Conditions:
Idiopathic generalized epilepsy. Also called: EIG; Generalised epilepsy. Identifiers: MedGen C0270850, MONDO:0005579, OMIM 600669.
Hyperaldosteronism, familial, type IV (HALD4). Also called: FH IV; ALDOSTERONISM, PRIMARY, AND HYPERTENSION. Identifiers: Orphanet 642671, MedGen C4310756, MONDO:0014875, OMIM 617027.

Submission:

Labcorp Genetics (formerly Invitae), Labcorp
Classification: Uncertain significance for Idiopathic generalized epilepsy; Hyperaldosteronism, familial, type IV. Last evaluated: 2021-12-13. Review status: criteria provided, single submitter. Criteria: Invitae Variant Classification Sherloc (09022015). Collection method: clinical testing. Allele origin: germline.
Comment: This variant has not been reported in the literature in individuals affected with CACNA1H-related conditions. This variant, c.5539_5556dup, results in the insertion of 6 amino acid(s) of the CACNA1H protein (p.Ala1847_Val1852dup), but otherwise preserves the integrity of the reading frame. This variant is not present in population databases (gnomAD no frequency). Experimental studies and prediction algorithms are not available or were not evaluated, and the functional significance of this variant is currently unknown. Algorithms developed to predict the effect of sequence changes on RNA splicing suggest that this variant may create or strengthen a splice site. In summary, the available evidence is currently insufficient to determine the role of this variant in disease. Therefore, it has been classified as a Variant of Uncertain Significance.

NM_021098.3(CACNA1H):c.5539_5556dup (p.Ala1847_Val1852dup)

Gene: CACNA1H (calcium voltage-gated channel subunit alpha1 H; plus strand). Cytogenetic location: 16p13.3.
Variant type: Duplication.
Coding change: c.5539_5556dup on transcript NM_021098.3 (MANE Select); coding-DNA positions 5539 to 5556, 18 bases duplicated (GCCCAGTTCGTGCTGGTG).
Protein change: p.Ala1847_Val1852dup.
Molecular consequence: inframe insertion.
Genome position (GRCh38, 1-based): chr16:1,218,303-1,218,320, GCCCAGTTCGTGCTGGTG duplicated; duplicating any 18 consecutive bases within chr16:1,218,291-1,218,320 gives the same sequence; the c. name uses the placement nearest the transcript's 3' end. VCF-style (leftmost placement, unchanged base first): chr16-1218290-C-CTTCGTGCTGGTGGCCCAG. GRCh37 (hg19) VCF-style: chr16-1268290-C-CTTCGTGCTGGTGGCCCAG.
Other names: c.5521_5538dup, p.Ala1841_Val1846dup (NM_001005407.2).
Identifiers: ClinVar variation 1433466 (VCV001433466.6), dbSNP rs2141394048, ClinGen allele CA2573151705.